The following is an entry in ClinVar:

ClinVar aggregate classification (germline): Uncertain significance (1 of 4 stars; one submission).

gnomAD v4.1: 8 of 1,613,910 alleles (0.0005%); highest among the groups gnomAD compares: African/African-American, 0.011%; no homozygotes.

Submission:

Labcorp Genetics (formerly Invitae), Labcorp
Classification: Uncertain significance. Last evaluated: 2025-05-13. Review status: criteria provided, single submitter. Criteria: Invitae Variant Classification Sherloc (09022015). Collection method: clinical testing. Allele origin: germline.
Comment: This sequence change replaces valine, which is neutral and non-polar, with alanine, which is neutral and non-polar, at codon 365 of the RNF13 protein (p.Val365Ala). This variant is present in population databases (rs766430142, gnomAD 0.02%). This variant has not been reported in the literature in individuals affected with RNF13-related conditions. An algorithm developed to predict the effect of missense changes on protein structure and function (PolyPhen-2) suggests that this variant is likely to be tolerated. In summary, the available evidence is currently insufficient to determine the role of this variant in disease. Therefore, it has been classified as a Variant of Uncertain Significance.

NM_183381.3(RNF13):c.1094T>C (p.Val365Ala)

Gene: RNF13 (ring finger protein 13; plus strand). Cytogenetic location: 3q25.1.
Variant type: single nucleotide variant.
Coding change: c.1094T>C on transcript NM_183381.3 (MANE Select); coding-DNA position 1094, T replaced by C.
Protein change: p.Val365Ala; replaces valine 365 with alanine.
Molecular consequence: missense variant. On other transcripts: non-coding transcript variant (1).
Genome position (GRCh38, 1-based): chr3:149,961,052, T>C. VCF-style: chr3-149961052-T-C. GRCh37 (hg19) VCF-style: chr3-149678839-T-C.
Other names: c.1094T>C, p.Val365Ala (NM_007282.4, NM_001378285.1, NM_001378286.1); c.737T>C, p.Val246Ala (NM_183383.2, NM_001378288.1, NM_001378289.1 and 2 more transcripts); c.701T>C, p.Val234Ala (NM_001378291.1); short protein forms V234A, V246A, V365A.
Identifiers: ClinVar variation 4781286 (VCV004781286.1).